The following is an entry in ClinVar:

NM_004370.6(COL12A1):c.7490T>C (p.Ile2497Thr)

Gene: COL12A1 (collagen type XII alpha 1 chain; minus strand). Cytogenetic location: 6q13.
Variant type: single nucleotide variant.
Coding change: c.7490T>C on transcript NM_004370.6 (MANE Select); coding-DNA position 7490, T replaced by C.
Protein change: p.Ile2497Thr; replaces isoleucine 2497 with threonine.
Molecular consequence: missense variant.
Genome position (GRCh38, 1-based): chr6:75,117,411, A>G on the plus strand (T>C on the coding strand, the complement: COL12A1 is on the minus strand). VCF-style: chr6-75117411-A-G. GRCh37 (hg19) VCF-style: chr6-75827127-A-G.
Other names: c.3998T>C, p.Ile1333Thr (NM_080645.3); short protein forms I1333T, I2497T.
Identifiers: ClinVar variation 982705 (VCV000982705.29), dbSNP rs1228621705, ClinGen allele CA364746337.

ClinVar aggregate classification (germline): Uncertain significance. Review status: criteria provided, multiple submitters, no conflicts (2 of 4 stars). 4 submissions from 4 submitters: Uncertain significance (4). Last evaluated 2025-07-02.

Conditions:
Bethlem myopathy 2 (BTHLM2). Identifiers: Orphanet 536516, Orphanet 610, MedGen C4225313, MONDO:0034022, OMIM 616471.
Ullrich congenital muscular dystrophy 2 (UCMD2). Identifiers: Orphanet 75840, MedGen C4225314, MONDO:0014654, OMIM 616470.

Allele frequency attached by ClinVar (database versions not stated): TOPMed below 0.00001; gnomAD exomes 0.00001; gnomAD 0.00002.
gnomAD v4.1: 13 of 1,613,522 alleles (0.00081%); highest among the groups gnomAD compares: Admixed American, 0.0017%; no homozygotes.

Submissions (4):

Labcorp Genetics (formerly Invitae), Labcorp
Classification: Uncertain significance for Bethlem myopathy 2; Ullrich congenital muscular dystrophy 2. Last evaluated: 2025-07-02. Review status: criteria provided, single submitter. Criteria: Invitae Variant Classification Sherloc (09022015). Collection method: clinical testing. Allele origin: germline.
Comment: This sequence change replaces isoleucine, which is neutral and non-polar, with threonine, which is neutral and polar, at codon 2497 of the COL12A1 protein (p.Ile2497Thr). This variant is present in population databases (no rsID available, gnomAD 0.01%). This variant has not been reported in the literature in individuals affected with COL12A1-related conditions. ClinVar contains an entry for this variant (Variation ID: 982705). Invitae Evidence Modeling of protein sequence and biophysical properties (such as structural, functional, and spatial information, amino acid conservation, physicochemical variation, residue mobility, and thermodynamic stability) has been performed for this missense variant. However, the output from this modeling did not meet the statistical confidence thresholds required to predict the impact of this variant on COL12A1 protein function. In summary, the available evidence is currently insufficient to determine the role of this variant in disease. Therefore, it has been classified as a Variant of Uncertain Significance.

CeGaT Center for Human Genetics Tuebingen
Classification: Uncertain significance. Last evaluated: 2022-11-01. Review status: criteria provided, single submitter. Criteria: CeGaT Center For Human Genetics Tuebingen Variant Classification Criteria Version 2. Collection method: clinical testing. Allele origin: germline. Affected: yes. Observed: 1 variant allele.
Comment: COL12A1: PM2

Revvity Omics, Revvity
Classification: Uncertain significance. Last evaluated: 2019-06-24. Review status: criteria provided, single submitter. Criteria: ACMG Guidelines, 2015. Collection method: clinical testing. Allele origin: germline.

Institute of Human Genetics, University of Leipzig Medical Center
Classification: Uncertain significance for Bethlem myopathy 2. Last evaluated: 2019-01-01. Review status: criteria provided, single submitter. Criteria: ACMG Guidelines, 2015. Collection method: clinical testing. Allele origin: unknown. Affected: yes.